The following is an entry in ClinVar:

NM_000465.4(BARD1):c.57G>A (p.Glu19=)

Gene: BARD1 (BRCA1 associated RING domain 1; minus strand). Cytogenetic location: 2q35.
Variant type: single nucleotide variant.
Coding change: c.57G>A on transcript NM_000465.4 (MANE Select); coding-DNA position 57, G replaced by A.
Protein change: p.Glu19=; no amino-acid change (glutamic acid 19 retained).
Molecular consequence: synonymous variant. On other transcripts: non-coding transcript variant (3).
Genome position (GRCh38, 1-based): chr2:214,809,513, C>T on the plus strand (G>A on the coding strand, the complement: BARD1 is on the minus strand). VCF-style: chr2-214809513-C-T. GRCh37 (hg19) VCF-style: chr2-215674237-C-T.
Other names: p.E19E:GAG>GAA; c.57G>A, p.Glu19= (NM_001282543.2, NM_001282545.2, NM_001282548.2 and 1 more transcripts).
Identifiers: ClinVar variation 182029 (VCV000182029.54), dbSNP rs730881406, ClinGen allele CA333730.
Genomic context (GRCh38, chr2:214,809,513, plus strand): 5'-GGCGCGACTGTGGGCCCAGGCACCGCGACCATCCGGTTCCATGGCGGGCGCGGAACGAGG[C>T]TCGTTCCCGGAGCGGATCCTCGGCTGCCGGTTCCTCGGCTGCCGATTATCCGGCATCGTC-3'
Protein context (NP_000456.2, residues 9-29): NRQPRIRSGN[Glu19=]PRSAPAMEPD

ClinVar aggregate classification (germline): Benign/Likely benign. Review status: criteria provided, multiple submitters, no conflicts (2 of 4 stars). 13 submissions from 13 submitters: Benign (2); Likely benign (10). 1 of the submissions does not count toward it. Last evaluated 2026-09-24.

Conditions:
BARD1-related disorder. Also called: BARD1-related condition.
Hereditary cancer-predisposing syndrome. Also called: Tumor predisposition; Neoplastic Syndromes, Hereditary; Hereditary Cancer Syndrome; Hereditary neoplastic syndrome. Identifiers: Orphanet 140162, MedGen C0027672, MeSH D009386, MONDO:0015356.
Familial cancer of breast. Also called: hereditary breast carcinoma; BREAST CANCER, FAMILIAL; Hereditary breast cancer. Identifiers: Orphanet 227535, MedGen C0346153, MONDO:0016419, OMIM 114480. Disease mechanism: loss of function.

Allele frequency attached by ClinVar (database versions not stated): TOPMed 0.00002; gnomAD 0.00019.
gnomAD v4.1: 44 of 1,598,678 alleles (0.0028%); highest among the groups gnomAD compares: Non-Finnish European, 0.0035%; no homozygotes.

Submissions (13):

PreventionGenetics, part of Exact Sciences
Classification: Likely benign for BARD1-related condition. Last evaluated: 2026-09-24. Review status: criteria provided, single submitter. Criteria: ACMG Guidelines, 2015. Collection method: clinical testing. Allele origin: germline.
Comment: This variant is classified as likely benign based on ACMG/AMP sequence variant interpretation guidelines (Richards et al. 2015 PMID: 25741868, with internal and published modifications).

Center for Genomic Medicine, Rigshospitalet, Copenhagen University Hospital
Classification: Likely benign. Last evaluated: 2025-12-29. Review status: criteria provided, single submitter. Criteria: ACMG Guidelines, 2015. Collection method: clinical testing. Allele origin: germline.
Comment: Classification criteria: BP4, BP7

Labcorp Genetics (formerly Invitae), Labcorp
Classification: Likely benign for Familial cancer of breast. Last evaluated: 2025-12-22. Review status: criteria provided, single submitter. Criteria: Invitae Variant Classification Sherloc (09022015). Collection method: clinical testing. Allele origin: germline.

Blueprint Genetics
Classification: Likely benign. Last evaluated: 2024-08-19. Review status: criteria provided, single submitter. Criteria: ACMG Guidelines, 2015. Collection method: clinical testing. Allele origin: germline.

Myriad Genetics, Inc.
Classification: Benign for Familial cancer of breast. Last evaluated: 2023-02-24. Review status: criteria provided, single submitter. Criteria: Myriad Autosomal Dominant, Autosomal Recessive and X-Linked Classification Criteria (2023). Collection method: clinical testing. Allele origin: unknown.
Comment: This variant is considered benign. This variant is a silent/synonymous amino acid change and it is not expected to impact splicing.

CeGaT Center for Human Genetics Tuebingen
Classification: Likely benign. Last evaluated: 2022-04-01. Review status: criteria provided, single submitter. Criteria: CeGaT Center For Human Genetics Tuebingen Variant Classification Criteria Version 2. Collection method: clinical testing. Allele origin: germline. Affected: yes. Observed: 1 variant allele.
Comment: BARD1: BP4, BP7

Sema4
Classification: Likely benign for Hereditary cancer-predisposing syndrome. Last evaluated: 2021-08-03. Review status: criteria provided, single submitter. Criteria: Sema4 Curation Guidelines. Collection method: curation. Allele origin: germline.

Genetic Services Laboratory, University of Chicago
Classification: Likely benign. Last evaluated: 2021-02-05. Review status: criteria provided, single submitter. Criteria: ACMG Guidelines, 2015. Collection method: clinical testing. Allele origin: germline. Affected: no.

Women's Health and Genetics/Laboratory Corporation of America, LabCorp
Classification: Likely benign. Last evaluated: 2019-08-21. Review status: criteria provided, single submitter. Criteria: LabCorp Variant Classification Summary - May 2015. Collection method: clinical testing. Allele origin: germline.

Color Diagnostics, LLC DBA Color Health
Classification: Likely benign for Hereditary cancer-predisposing syndrome. Last evaluated: 2017-05-26. Review status: criteria provided, single submitter. Criteria: ACMG Guidelines, 2015. Collection method: clinical testing. Allele origin: germline.

GeneDx
Classification: Benign. Last evaluated: 2014-09-02. Review status: criteria provided, single submitter. Criteria: GeneDx Variant Classification (06012015). Collection method: clinical testing. Allele origin: germline. Affected: yes.
Comment: This variant is considered likely benign or benign based on one or more of the following criteria: it is a conservative change, it occurs at a poorly conserved position in the protein, it is predicted to be benign by multiple in silico algorithms, and/or has population frequency not consistent with disease.

Ambry Genetics
Classification: Likely benign for Hereditary cancer-predisposing syndrome. Last evaluated: 2014-08-05. Review status: criteria provided, single submitter. Criteria: Ambry Variant Classification Scheme 2023. Collection method: clinical testing. Allele origin: germline.

Counsyl
Classification: Likely benign for Familial cancer of breast. Last evaluated: 2016-10-26. Review status: no assertion criteria provided. Collection method: clinical testing. Allele origin: unknown. Not counted in ClinVar's aggregate classification.